The following is an entry in ClinVar:

NM_018972.4(GDAP1):c.*1429A>G

Gene: GDAP1 (ganglioside induced differentiation associated protein 1; plus strand). Cytogenetic location: 8q21.11.
Variant type: single nucleotide variant.
Coding change: c.*1429A>G on transcript NM_018972.4 (MANE Select); 1429 bases downstream of the stop codon, A replaced by G.
Molecular consequence: 3 prime UTR variant. On other transcripts: intron variant (1).
Genome position (GRCh38, 1-based): chr8:74,365,796, A>G. VCF-style: chr8-74365796-A-G. GRCh37 (hg19) VCF-style: chr8-75278031-A-G.
Other names: c.*1429A>G (NM_001040875.4, NM_001362929.2, NM_001362930.2 and 1 more transcripts); c.694+2743A>G (NM_001362931.2).
Identifiers: ClinVar variation 363742 (VCV000363742.5), dbSNP rs78545774, ClinGen allele CA4785318.

ClinVar aggregate classification (germline): Benign. Review status: criteria provided, single submitter (1 of 4 stars). 2 submissions from 1 submitter: Benign (2). Last evaluated 2018-01-13.

Conditions:
Charcot-Marie-Tooth disease, axonal, with vocal cord paresis, autosomal recessive. Also called: CHARCOT-MARIE-TOOTH DISEASE, TYPE 4A, AXONAL FORM; CHARCOT-MARIE-TOOTH NEUROPATHY, AXONAL, WITH VOCAL CORD PARESIS, AUTOSOMAL RECESSIVE; CMT2 WITH VOCAL CORD PARESIS, AUTOSOMAL RECESSIVE. Identifiers: Orphanet 101097, MedGen C1843183, MONDO:0011898, OMIM 607706.
Charcot-Marie-Tooth disease recessive intermediate A (CMTRIA). Also called: CHARCOT-MARIE-TOOTH NEUROPATHY, RECESSIVE INTERMEDIATE A. Identifiers: Orphanet 217055, MedGen C1842197, MONDO:0012014, OMIM 608340.

Allele frequency attached by ClinVar (database versions not stated): gnomAD 0.00029 and 0.00034; gnomAD exomes 0.00031 and 0.00074; ExAC 0.00033; TOPMed 0.00058; 1000 Genomes Project 30x 0.00094; 1000 Genomes Project 0.00100.
gnomAD v4.1: 148 of 453,714 alleles (0.033%); highest among the groups gnomAD compares: East Asian, 0.72%; no homozygotes.

Submissions (2):

Illumina Laboratory Services, Illumina
Classification: Benign for Charcot-Marie-Tooth disease, axonal, with vocal cord paresis, autosomal recessive. Last evaluated: 2018-01-13. Review status: criteria provided, single submitter. Criteria: ICSL Variant Classification Criteria 13 December 2019. Collection method: clinical testing. Allele origin: germline.
Comment: This variant was observed in the ICSL laboratory as part of a predisposition screen in an ostensibly healthy population. It had not been previously curated by ICSL or reported in the Human Gene Mutation Database (HGMD: prior to June 1st, 2018), and was therefore a candidate for classification through an automated scoring system. Utilizing variant allele frequency, disease prevalence and penetrance estimates, and inheritance mode, an automated score was calculated to assess if this variant is too frequent to cause the disease. Based on the score and internal cut-off values, a variant classified as benign is not then subjected to further curation. The score for this variant resulted in a classification of benign for this disease.

Illumina Laboratory Services, Illumina
Classification: Benign for Charcot-Marie-Tooth disease recessive intermediate A. Last evaluated: 2018-01-13. Review status: criteria provided, single submitter. Criteria: ICSL Variant Classification Criteria 13 December 2019. Collection method: clinical testing. Allele origin: germline.
Comment: the same text as in the submission from Illumina Laboratory Services, Illumina above.